The following is an entry in ClinVar:

ClinVar aggregate classification (germline): Conflicting classifications of pathogenicity. Review status: criteria provided, conflicting classifications (1 of 4 stars). 6 submissions from 6 submitters: Uncertain significance (5); Likely benign (1). Last evaluated 2025-09-03.

Conditions:
Hereditary cancer-predisposing syndrome. Also called: Neoplastic Syndromes, Hereditary; Hereditary neoplastic syndrome; Hereditary Cancer Syndrome; Tumor predisposition. Identifiers: Orphanet 140162, MedGen C0027672, MeSH D009386, MONDO:0015356.
Lymphangiomyomatosis (LAM). Also called: Lymphangioleiomyomatosis; Lymphangioleiomyomatosis, somatic. Identifiers: Orphanet 538, MedGen C0751674, MONDO:0011705, OMIM 606690.
Isolated focal cortical dysplasia type II (FCORD2). Also called: Focal cortical dysplasia type II; CORTICAL DYSPLASIA OF TAYLOR. Identifiers: Orphanet 268994, MedGen C1846385, MONDO:0011818, OMIM 607341, HP:0032051.
Tuberous sclerosis 1 (TSC1). Identifiers: Orphanet 805, MedGen C1854465, MONDO:0008612, OMIM 191100.
Tuberous sclerosis syndrome (TSC). Also called: Tuberous sclerosis; Tuberous Sclerosis Complex. Identifiers: Orphanet 805, MedGen C0041341, MONDO:0001734.

Allele frequency attached by ClinVar (database versions not stated): gnomAD exomes below 0.00001; gnomAD 0.00001; TOPMed 0.00002.

Submissions (6):

Labcorp Genetics (formerly Invitae), Labcorp
Classification: Likely benign for Tuberous sclerosis 1. Last evaluated: 2025-09-03. Review status: criteria provided, single submitter. Criteria: Invitae Variant Classification Sherloc (09022015). Collection method: clinical testing. Allele origin: germline.

All of Us Research Program, National Institutes of Health
Classification: Uncertain significance for Tuberous sclerosis syndrome. Last evaluated: 2023-09-17. Review status: criteria provided, single submitter. Criteria: ACMG Guidelines, 2015. Collection method: clinical testing. Allele origin: germline. Inheritance: Autosomal dominant inheritance. Observed: 1 variant allele, 1 heterozygote.
Comment: This missense variant replaces aspartic acid with asparagine at codon 24 of the TSC1 protein. Computational prediction suggests that this variant may not impact protein structure and function (internally defined REVEL score threshold <= 0.5, PMID: 27666373). To our knowledge, functional studies have not been reported for this variant. This variant has not been reported in individuals affected with hereditary cancer in the literature. This variant has been identified in 1/31408 chromosomes in the general population by the Genome Aggregation Database (gnomAD). The available evidence is insufficient to determine the role of this variant in disease conclusively. Therefore, this variant is classified as a Variant of Uncertain Significance.

This study involves interpretation of variants in research participants for the purpose of population health screening. Participant phenotype was not available at the time of variant classification. Additional details can be found in publication PMID: 35346344, PMCID: PMC8962531

Ambry Genetics
Classification: Uncertain significance for Hereditary cancer-predisposing syndrome. Last evaluated: 2023-09-02. Review status: criteria provided, single submitter. Criteria: Ambry Variant Classification Scheme 2023. Collection method: clinical testing. Allele origin: germline.
Comment: The p.D24N variant (also known as c.70G>A), located in coding exon 1 of the TSC1 gene, results from a G to A substitution at nucleotide position 70. The aspartic acid at codon 24 is replaced by asparagine, an amino acid with highly similar properties. This amino acid position is well conserved in available vertebrate species. In addition, this alteration is predicted to be tolerated by in silico analysis. Since supporting evidence is limited at this time, the clinical significance of this alteration remains unclear.

Baylor Genetics
Classification: Uncertain significance for Isolated focal cortical dysplasia type II. Last evaluated: 2023-06-16. Review status: criteria provided, single submitter. Criteria: ACMG Guidelines, 2015. Collection method: clinical testing. Allele origin: unknown.

Revvity Omics, Revvity
Classification: Uncertain significance. Last evaluated: 2022-06-22. Review status: criteria provided, single submitter. Criteria: ACMG Guidelines, 2015. Collection method: clinical testing. Allele origin: germline.

Fulgent Genetics
Classification: Uncertain significance for Tuberous sclerosis 1; Lymphangiomyomatosis; Isolated focal cortical dysplasia type II. Last evaluated: 2022-02-17. Review status: criteria provided, single submitter. Criteria: ACMG Guidelines, 2015. Collection method: clinical testing. Allele origin: unknown.

NM_000368.5(TSC1):c.70G>A (p.Asp24Asn)

Gene: TSC1 (TSC complex subunit 1; minus strand). Cytogenetic location: 9q34.13.
Variant type: single nucleotide variant.
Coding change: c.70G>A on transcript NM_000368.5 (MANE Select); coding-DNA position 70, G replaced by A.
Protein change: p.Asp24Asn; replaces aspartic acid 24 with asparagine.
Molecular consequence: missense variant. On other transcripts: 5 prime UTR variant (1).
Genome position (GRCh38, 1-based): chr9:132,928,803, C>T on the plus strand (G>A on the coding strand, the complement: TSC1 is on the minus strand). VCF-style: chr9-132928803-C-T. GRCh37 (hg19) VCF-style: chr9-135804190-C-T.
Other names: c.70G>A, p.Asp24Asn (NM_001162426.2, NM_001162427.2); c.-190G>A (NM_001362177.2); short protein forms D24N.
Identifiers: ClinVar variation 658252 (VCV000658252.17), dbSNP rs984306144, ClinGen allele CA200902498.